The following is an entry in ClinVar:

NM_005120.3(MED12):c.245G>C (p.Arg82Pro)

Gene: MED12 (mediator complex subunit 12; plus strand). Cytogenetic location: Xq13.1.
Variant type: single nucleotide variant.
Coding change: c.245G>C on transcript NM_005120.3 (MANE Select); coding-DNA position 245, G replaced by C.
Protein change: p.Arg82Pro; replaces arginine 82 with proline.
Molecular consequence: missense variant.
Genome position (GRCh38, 1-based): chrX:71,119,726, G>C. VCF-style: chrX-71119726-G-C. GRCh37 (hg19) VCF-style: chrX-70339576-G-C.
Other names: short protein forms R82P.
Identifiers: ClinVar variation 4859843 (VCV004859843.1).

ClinVar aggregate classification (germline): Uncertain significance (1 of 4 stars; one submission).

Conditions:
Familial thoracic aortic aneurysm and aortic dissection (TAAD). Also called: Thoracic aortic aneurysms and dissections. Identifiers: Orphanet 91387, MedGen C4707243, MONDO:0019625.

Submission:

Ambry Genetics
Classification: Uncertain significance for Familial thoracic aortic aneurysm and aortic dissection. Last evaluated: 2026-06-14. Review status: criteria provided, single submitter. Criteria: Ambry Variant Classification Scheme 2023. Collection method: clinical testing. Allele origin: germline.
Comment: The p.R82P variant (also known as c.245G>C), located in coding exon 3 of the MED12 gene, results from a G to C substitution at nucleotide position 245. The arginine at codon 82 is replaced by proline, an amino acid with dissimilar properties. This amino acid position is conserved. In addition, this alteration is predicted to be deleterious by in silico analysis. Based on the available evidence, the clinical significance of this variant remains unclear.